The following is an entry in ClinVar:

NM_004415.4(DSP):c.4065TGA[1] (p.Asp1356del)

Gene: DSP (desmoplakin; plus strand). Cytogenetic location: 6p24.3.
Variant type: Microsatellite.
Coding change: c.4065TGA[1] on transcript NM_004415.4 (MANE Select); one copy of the 3-base unit TGA starting at c.4065; the reference has two copies in a row; one copy, 3 bases deleted.
Protein change: p.Asp1356del; deletes aspartic acid 1356.
Molecular consequence: inframe deletion. On other transcripts: inframe indel (2), intron variant (2).
Genome position (GRCh38, 1-based): chr6:7,580,258-7,580,260, TGA deleted; deleting any 3 consecutive bases within chr6:7,580,254-7,580,260 gives the same sequence; the position shown is the placement nearest the transcript's 3' end. VCF-style (leftmost placement, unchanged base first): chr6-7580253-TATG-T. GRCh37 (hg19) VCF-style: chr6-7580486-TATG-T.
Other names: c.4065_4067TGA[1], p.Asp1356del (NM_004415.2); c.4050+18_4050+20del (NM_001319034.2); c.3582+486_3582+488del (NM_001008844.3); c.4068_4070delTGA (NM_004415.2); short protein forms D1356del.
Identifiers: ClinVar variation 3842698 (VCV003842698.1).

ClinVar aggregate classification (germline): Uncertain significance (1 of 4 stars; one submission).

Conditions:
Cardiovascular phenotype. Identifiers: MedGen CN230736.

Submission:

Ambry Genetics
Classification: Uncertain significance for Cardiovascular phenotype. Last evaluated: 2025-02-05. Review status: criteria provided, single submitter. Criteria: Ambry Variant Classification Scheme 2023. Collection method: clinical testing. Allele origin: germline.
Comment: The c.4068_4070delTGA variant (also known as p.D1356del) is located in coding exon 23 of the DSP gene. This variant results from an in-frame TGA deletion at nucleotide positions 4068 to 4070. This results in the in-frame deletion of an aspartic acid at codon 1356. This amino acid position is highly conserved in available vertebrate species. In addition, this alteration is predicted to be neutral by in silico analysis (Choi Y et al. PLoS ONE. 2012; 7(10):e46688). Based on the available evidence, the clinical significance of this variant remains unclear.